The following is an entry in ClinVar:

NM_004304.5(ALK):c.3273C>G (p.Asp1091Glu)

Gene: ALK (ALK receptor tyrosine kinase; minus strand). Cytogenetic location: 2p23.2.
Variant type: single nucleotide variant.
Coding change: c.3273C>G on transcript NM_004304.5 (MANE Select); coding-DNA position 3273, C replaced by G.
Protein change: p.Asp1091Glu; replaces aspartic acid 1091 with glutamic acid.
Molecular consequence: missense variant.
Genome position (GRCh38, 1-based): chr2:29,223,428, G>C on the plus strand (C>G on the coding strand, the complement: ALK is on the minus strand). VCF-style: chr2-29223428-G-C. GRCh37 (hg19) VCF-style: chr2-29446294-G-C.
Other names: c.69C>G, p.Asp23Glu (NM_001353765.2); short protein forms D1091E, D23E.
Identifiers: ClinVar variation 4672113 (VCV004672113.1).
Genomic context (GRCh38, chr2:29,223,428, plus strand): 5'-CACCTCCTTCAGGTCACTGATGGAGGAGGTCTTGCCAGCAAAGCAGTAGTTGGGGTTGTA[G>C]TCGGTCATGATGGTCGAGGTGCGGAGCTTGCTCAGCTTGTACTCAGGGCTCTGCAGCTCC-3'
Protein context (NP_004295.2, residues 1081-1101): SKLRTSTIMT[Asp1091Glu]YNPNYCFAGK

ClinVar aggregate classification (germline): Uncertain significance (1 of 4 stars; one submission).

Conditions:
Hereditary cancer-predisposing syndrome. Also called: Neoplastic Syndromes, Hereditary; Tumor predisposition; Hereditary Cancer Syndrome; Hereditary neoplastic syndrome. Identifiers: Orphanet 140162, MedGen C0027672, MeSH D009386, MONDO:0015356.

Submission:

Ambry Genetics
Classification: Uncertain significance for Hereditary cancer-predisposing syndrome. Last evaluated: 2025-10-01. Review status: criteria provided, single submitter. Criteria: Ambry Variant Classification Scheme 2023. Collection method: clinical testing. Allele origin: germline.
Comment: The p.D1091E variant (also known as c.3273C>G), located in coding exon 20 of the ALK gene, results from a C to G substitution at nucleotide position 3273. The aspartic acid at codon 1091 is replaced by glutamic acid, an amino acid with highly similar properties. This amino acid position is highly conserved in available vertebrate species. In addition, the in silico prediction for this alteration is inconclusive. Based on the available evidence, the clinical significance of this variant remains unclear.